The following is an entry in ClinVar:

ClinVar aggregate classification (germline): Likely benign. Review status: criteria provided, multiple submitters, no conflicts (2 of 4 stars). 2 submissions from 2 submitters: Likely benign (2). Last evaluated 2023-05-04.

Conditions:
Ehlers-Danlos syndrome, type 4 (EDSVASC). Also called: Ehlers-Danlos syndrome vascular type; Ehlers Danlos syndrome, ecchymotic type; Ehlers Danlos syndrome, arterial type; Ehlers Danlos syndrome, Sack-Barabas type; Ehlers-Danlos Syndrome Type IV. Identifiers: Orphanet 286, MedGen C0268338, MONDO:0017314, OMIM 130050.
Familial thoracic aortic aneurysm and aortic dissection (TAAD). Also called: Thoracic aortic aneurysms and dissections. Identifiers: Orphanet 91387, MedGen C4707243, MONDO:0019625.

Allele frequency attached by ClinVar (database versions not stated): gnomAD exomes below 0.00001; ExAC 0.00001.

Submissions (2):

All of Us Research Program, National Institutes of Health
Classification: Likely benign for Ehlers-Danlos syndrome, type 4. Last evaluated: 2023-05-04. Review status: criteria provided, single submitter. Criteria: ACMG Guidelines, 2015. Collection method: clinical testing. Allele origin: germline. Inheritance: Autosomal dominant inheritance. Observed: 1 variant allele, 1 heterozygote.
Comment: This study involves interpretation of variants in research participants for the purpose of population health screening. Participant phenotype was not available at the time of variant classification. Additional details can be found in publication PMID: 35346344, PMCID: PMC8962531

Color Diagnostics, LLC DBA Color Health
Classification: Likely benign for Familial thoracic aortic aneurysm and aortic dissection. Last evaluated: 2019-07-26. Review status: criteria provided, single submitter. Criteria: ACMG Guidelines, 2015. Collection method: clinical testing. Allele origin: germline.

NM_000090.4(COL3A1):c.1609-10T>C

Gene: COL3A1 (collagen type III alpha 1 chain; plus strand). Cytogenetic location: 2q32.2.
Variant type: single nucleotide variant.
Coding change: c.1609-10T>C on transcript NM_000090.4 (MANE Select); 10 bases into the intron before coding-DNA position 1609, T replaced by C.
Molecular consequence: intron variant.
Genome position (GRCh38, 1-based): chr2:188,996,115, T>C. VCF-style: chr2-188996115-T-C. GRCh37 (hg19) VCF-style: chr2-189860841-T-C.
Identifiers: ClinVar variation 925680 (VCV000925680.3), dbSNP rs762824449, ClinGen allele CA074489.
Genomic context (GRCh38, chr2:188,996,115, plus strand): 5'-CAAATAGTGTATGTAGTAATTTTTTATTATTTCATTTTAAATCACCTAACAACTGACTTC[T>C]TTACTTCAGGGCATGCCCGGAAGTCCAGGAGGACCAGGAAGTGATGGGAAACCAGGGCCT-3'